The following is an entry in ClinVar:

NM_001909.5(CTSD):c.705-8C>T

Gene: CTSD (cathepsin D; minus strand). Cytogenetic location: 11p15.5.
Variant type: single nucleotide variant.
Coding change: c.705-8C>T on transcript NM_001909.5 (MANE Select); 8 bases into the intron before coding-DNA position 705, C replaced by T.
Molecular consequence: intron variant.
Genome position (GRCh38, 1-based): chr11:1,755,036, G>A on the plus strand (C>T on the coding strand, the complement: CTSD is on the minus strand). VCF-style: chr11-1755036-G-A. GRCh37 (hg19) VCF-style: chr11-1776266-G-A.
Other names: c.705-8C>T (NM_001909.4).
Identifiers: ClinVar variation 1561936 (VCV001561936.11), dbSNP rs754748489, ClinGen allele CA5814079.

ClinVar aggregate classification (germline): Likely benign. Review status: criteria provided, multiple submitters, no conflicts (2 of 4 stars). 3 submissions from 3 submitters: Likely benign (2). 1 of the submissions does not count toward it. Last evaluated 2023-12-30.

Conditions:
Neuronal ceroid lipofuscinosis. Also called: Neuronal Ceroid Lipofuscinoses. Identifiers: Orphanet 216, Orphanet 79263, MedGen C0027877, MONDO:0016295. Disease mechanism: loss of function.
CTSD-related disorder. Also called: CTSD-related condition.

Allele frequency attached by ClinVar (database versions not stated): TOPMed below 0.00001; gnomAD exomes 0.00001; ExAC 0.00002.
gnomAD v4.1: 10 of 1,613,684 alleles (0.00062%); highest among the groups gnomAD compares: South Asian, 0.0011%; no homozygotes.

Submissions (3):

Labcorp Genetics (formerly Invitae), Labcorp
Classification: Likely benign for Neuronal ceroid lipofuscinosis. Last evaluated: 2023-12-30. Review status: criteria provided, single submitter. Criteria: Invitae Variant Classification Sherloc (09022015). Collection method: clinical testing. Allele origin: germline.

Blueprint Genetics
Classification: Likely benign. Last evaluated: 2023-09-25. Review status: criteria provided, single submitter. Criteria: ACMG Guidelines, 2015. Collection method: clinical testing. Allele origin: germline.

PreventionGenetics, part of Exact Sciences
Classification: Likely benign for CTSD-related condition. Last evaluated: 2020-10-12. Review status: no assertion criteria provided. Collection method: clinical testing. Allele origin: germline. Not counted in ClinVar's aggregate classification.
Comment: This variant is classified as likely benign based on ACMG/AMP sequence variant interpretation guidelines (Richards et al. 2015 PMID: 25741868, with internal and published modifications).